The following is an entry in ClinVar:

NM_001283009.2(RTEL1):c.3236T>C (p.Leu1079Pro)

Genes: RTEL1 (regulator of telomere elongation helicase 1; plus strand), RTEL1-TNFRSF6B (RTEL1-TNFRSF6B readthrough (NMD candidate); plus strand). Cytogenetic location: 20q13.33.
Variant type: single nucleotide variant.
Coding change: c.3236T>C on transcript NM_001283009.2 (MANE Select); coding-DNA position 3236, T replaced by C.
Protein change: p.Leu1079Pro; replaces leucine 1079 with proline.
Molecular consequence: missense variant. On other transcripts: non-coding transcript variant (1).
Genome position (GRCh38, 1-based): chr20:63,694,867, T>C. VCF-style: chr20-63694867-T-C. GRCh37 (hg19) VCF-style: chr20-62326220-T-C.
Other names: c.2567T>C, p.Leu856Pro (NM_001283010.1); c.3236T>C, p.Leu1079Pro (NM_016434.4); c.3308T>C, p.Leu1103Pro (NM_032957.5); short protein forms L1079P, L1103P, L856P.
Identifiers: ClinVar variation 3948348 (VCV003948348.1).

ClinVar aggregate classification (germline): Uncertain significance (1 of 4 stars; one submission).

Conditions:
Inborn genetic diseases. Identifiers: MedGen C0950123, MeSH D030342.

Submission:

Ambry Genetics
Classification: Uncertain significance for Inborn genetic diseases. Last evaluated: 2025-04-21. Review status: criteria provided, single submitter. Criteria: Ambry Variant Classification Scheme 2023. Collection method: clinical testing. Allele origin: germline.
Comment: The p.L1079P variant (also known as c.3236T>C), located in coding exon 31 of the RTEL1 gene, results from a T to C substitution at nucleotide position 3236. The leucine at codon 1079 is replaced by proline, an amino acid with similar properties. This amino acid position is conserved. In addition, the in silico prediction for this alteration is inconclusive. Based on the available evidence, the clinical significance of this variant remains unclear.